The following is an entry in ClinVar:

NM_020778.5(ALPK3):c.734G>A (p.Gly245Glu)

Gene: ALPK3 (alpha kinase 3; plus strand). Cytogenetic location: 15q25.3.
Variant type: single nucleotide variant.
Coding change: c.734G>A on transcript NM_020778.5 (MANE Select); coding-DNA position 734, G replaced by A.
Protein change: p.Gly245Glu; replaces glycine 245 with glutamic acid.
Molecular consequence: missense variant.
Genome position (GRCh38, 1-based): chr15:84,840,013, G>A. VCF-style: chr15-84840013-G-A. GRCh37 (hg19) VCF-style: chr15-85383244-G-A.
Other names: c.1340G>A (NM_020778.4); short protein forms G245E.
Identifiers: ClinVar variation 2767465 (VCV002767465.4), dbSNP rs937868077, ClinGen allele CA273665424.

ClinVar aggregate classification (germline): Uncertain significance. Review status: criteria provided, multiple submitters, no conflicts (2 of 4 stars). 2 submissions from 2 submitters: Uncertain significance (2). Last evaluated 2026-01-10.

Conditions:
Cardiovascular phenotype. Identifiers: MedGen CN230736.

Allele frequency attached by ClinVar (database versions not stated): gnomAD 0.00001; TOPMed 0.00001.

Submissions (2):

Ambry Genetics
Classification: Uncertain significance for Cardiovascular phenotype. Last evaluated: 2026-01-10. Review status: criteria provided, single submitter. Criteria: Ambry Variant Classification Scheme 2023. Collection method: clinical testing. Allele origin: germline.
Comment: The p.G447E variant (also known as c.1340G>A), located in coding exon 5 of the ALPK3 gene, results from a G to A substitution at nucleotide position 1340. The glycine at codon 447 is replaced by glutamic acid, an amino acid with similar properties. This amino acid position is conserved. In addition, this alteration is predicted to be tolerated by in silico analysis. Based on the available evidence, the clinical significance of this variant remains unclear.

Labcorp Genetics (formerly Invitae), Labcorp
Classification: Uncertain significance. Last evaluated: 2024-01-15. Review status: criteria provided, single submitter. Criteria: Invitae Variant Classification Sherloc (09022015). Collection method: clinical testing. Allele origin: germline.
Comment: This sequence change replaces glycine, which is neutral and non-polar, with glutamic acid, which is acidic and polar, at codon 447 of the ALPK3 protein (p.Gly447Glu). This variant is not present in population databases (gnomAD no frequency). This variant has not been reported in the literature in individuals affected with ALPK3-related conditions. Algorithms developed to predict the effect of missense changes on protein structure and function output the following: SIFT: "Not Available"; PolyPhen-2: "Benign"; Align-GVGD: "Not Available". The glutamic acid amino acid residue is found in multiple mammalian species, which suggests that this missense change does not adversely affect protein function. In summary, the available evidence is currently insufficient to determine the role of this variant in disease. Therefore, it has been classified as a Variant of Uncertain Significance.